The following is an entry in ClinVar:

ClinVar aggregate classification (germline): Likely benign (0 of 4 stars; one submission).

Conditions:
ISL1-related disorder. Also called: ISL1-related condition.

Submission:

PreventionGenetics, part of Exact Sciences
Classification: Likely benign for ISL1-related condition. Last evaluated: 2024-08-08. Review status: no assertion criteria provided. Collection method: clinical testing. Allele origin: germline.
Comment: This variant is classified as likely benign based on ACMG/AMP sequence variant interpretation guidelines (Richards et al. 2015 PMID: 25741868, with internal and published modifications).

NM_002202.3(ISL1):c.132A>G (p.Lys44=)

Gene: ISL1 (ISL LIM homeobox 1; plus strand). Cytogenetic location: 5q11.1.
Variant type: single nucleotide variant.
Coding change: c.132A>G on transcript NM_002202.3 (MANE Select); coding-DNA position 132, A replaced by G.
Protein change: p.Lys44=; no amino-acid change (lysine 44 retained).
Molecular consequence: synonymous variant.
Genome position (GRCh38, 1-based): chr5:51,384,644, A>G. VCF-style: chr5-51384644-A-G. GRCh37 (hg19) VCF-style: chr5-50680478-A-G.
Identifiers: ClinVar variation 3358301 (VCV003358301.1).
Genomic context (GRCh38, chr5:51,384,644, plus strand): 5'-TCACGATCAGTATATTCTGAGGGTTTCTCCGGATTTGGAATGGCATGCGGCATGTTTGAA[A>G]TGTGCGGAGTGTAATCAGTATTTGGACGAGAGCTGTACATGCTTTGTTAGGGATGGGAAA-3'
Protein context (NP_002193.2, residues 34-54): PDLEWHAACL[Lys44=]CAECNQYLDE